The following is an entry in ClinVar:

ClinVar aggregate classification (germline): Likely pathogenic (1 of 4 stars; one submission).

Submission:

Athena Diagnostics
Classification: Likely pathogenic. Last evaluated: 2025-10-07. Review status: criteria provided, single submitter. Criteria: Athena Diagnostics Criteria. Collection method: clinical testing. Allele origin: unknown.
Comment: This variant is likely inserted in tandem within the DMD gene (PMID: 25640679) and, if so, would severely disrupt protein function. Similar duplications of exons 22-30 have not been reported in large, multi-ethnic general populations (Genome Aggregation Database (gnomAD), Cambridge, MA (URL)). Similar duplications of exons 22-30 have been identified in individuals with a dystrophinopathy (Leiden Muscular Dystrophy pages (DB-ID: DMD_022230)).

Single allele

Gene: DMD (dystrophin; minus strand). Cytogenetic location: Xp21.1.
Variant type: Duplication.
Identifiers: ClinVar variation 4682490 (VCV004682490.1).